The following is an entry in ClinVar:

ClinVar aggregate classification (germline): Uncertain significance (1 of 4 stars; one submission).

Conditions:
Primary ciliary dyskinesia 30. Also called: CILIARY DYSKINESIA, PRIMARY, 30, WITH OR WITHOUT SITUS INVERSUS. Identifiers: Orphanet 244, MedGen C4015016, MONDO:0014465, OMIM 616037.

Allele frequency attached by ClinVar (database versions not stated): gnomAD exomes 0.00001.
gnomAD v4.1: 15 of 1,614,148 alleles (0.00093%); highest among the groups gnomAD compares: Non-Finnish European, 0.0013%; no homozygotes.

Submission:

Labcorp Genetics (formerly Invitae), Labcorp
Classification: Uncertain significance for Primary ciliary dyskinesia 30. Last evaluated: 2022-02-24. Review status: criteria provided, single submitter. Criteria: Invitae Variant Classification Sherloc (09022015). Collection method: clinical testing. Allele origin: germline.
Comment: This sequence change replaces proline, which is neutral and non-polar, with leucine, which is neutral and non-polar, at codon 65 of the CCDC151 protein (p.Pro65Leu). This variant is not present in population databases (gnomAD no frequency). This variant has not been reported in the literature in individuals affected with CCDC151-related conditions. Algorithms developed to predict the effect of missense changes on protein structure and function (SIFT, PolyPhen-2, Align-GVGD) all suggest that this variant is likely to be tolerated. In summary, the available evidence is currently insufficient to determine the role of this variant in disease. Therefore, it has been classified as a Variant of Uncertain Significance.

NM_145045.5(ODAD3):c.194C>T (p.Pro65Leu)

Gene: ODAD3 (outer dynein arm docking complex subunit 3; minus strand). Cytogenetic location: 19p13.2.
Variant type: single nucleotide variant.
Coding change: c.194C>T on transcript NM_145045.5 (MANE Select); coding-DNA position 194, C replaced by T.
Protein change: p.Pro65Leu; replaces proline 65 with leucine.
Molecular consequence: missense variant. On other transcripts: intron variant (1).
Genome position (GRCh38, 1-based): chr19:11,434,823, G>A on the plus strand (C>T on the coding strand, the complement: ODAD3 is on the minus strand). VCF-style: chr19-11434823-G-A. GRCh37 (hg19) VCF-style: chr19-11545644-G-A.
Other names: c.194C>T, p.Pro65Leu (NM_001302454.2); c.82+867C>T (NM_001302453.1); short protein forms P65L.
Identifiers: ClinVar variation 1682796 (VCV001682796.8), dbSNP rs2144790662, ClinGen allele CA404128185.